The following is an entry in ClinVar:

ClinVar aggregate classification (germline): Uncertain significance (1 of 4 stars; one submission).

Conditions:
Retinitis pigmentosa 73 (RP73). Identifiers: Orphanet 791, MedGen C4225287, MONDO:0014687, OMIM 616544.
Mucopolysaccharidosis, MPS-III-C (MPS3C). Also called: SANFILIPPO SYNDROME C; MPS III C; Mucopolysaccharidosis type IIIC (Sanfilippo C); MUCOPOLYSACCHARIDOSIS, TYPE IIIC; mucopolysaccharidosis type 3C; MPS IIIC (Sanfilippo Syndrome Type C). Identifiers: Orphanet 581, Orphanet 79271, MedGen C0086649, MONDO:0009657, OMIM 252930.

gnomAD v4.1: 1 of 1,613,928 alleles (0.000062%); highest among the groups gnomAD compares: Non-Finnish European, 0.000085%; no homozygotes.

Submission:

Labcorp Genetics (formerly Invitae), Labcorp
Classification: Uncertain significance for Retinitis pigmentosa 73; Mucopolysaccharidosis, MPS-III-C. Last evaluated: 2022-07-06. Review status: criteria provided, single submitter. Criteria: Invitae Variant Classification Sherloc (09022015). Collection method: clinical testing. Allele origin: germline.
Comment: This sequence change replaces lysine, which is basic and polar, with asparagine, which is neutral and polar, at codon 564 of the HGSNAT protein (p.Lys564Asn). This variant is not present in population databases (gnomAD no frequency). This variant has not been reported in the literature in individuals affected with HGSNAT-related conditions. Advanced modeling of protein sequence and biophysical properties (such as structural, functional, and spatial information, amino acid conservation, physicochemical variation, residue mobility, and thermodynamic stability) performed at Invitae indicates that this missense variant is not expected to disrupt HGSNAT protein function. In summary, the available evidence is currently insufficient to determine the role of this variant in disease. Therefore, it has been classified as a Variant of Uncertain Significance.

NM_152419.3(HGSNAT):c.1692G>C (p.Lys564Asn)

Gene: HGSNAT (heparan-alpha-glucosaminide N-acetyltransferase; plus strand). Cytogenetic location: 8p11.21.
Variant type: single nucleotide variant.
Coding change: c.1692G>C on transcript NM_152419.3 (MANE Select); coding-DNA position 1692, G replaced by C.
Protein change: p.Lys564Asn; replaces lysine 564 with asparagine.
Molecular consequence: missense variant.
Genome position (GRCh38, 1-based): chr8:43,197,918, G>C. VCF-style: chr8-43197918-G-C. GRCh37 (hg19) VCF-style: chr8-43053061-G-C.
Other names: c.1779G>C, p.Lys593Asn (NM_001363227.2); c.1500G>C, p.Lys500Asn (NM_001363228.2); c.828G>C, p.Lys276Asn (NM_001363229.2); short protein forms K500N, K564N, K276N, K593N.
Identifiers: ClinVar variation 1924681 (VCV001924681.2), dbSNP rs1453700530, ClinGen allele CA371120763.